The following is an entry in ClinVar:

ClinVar aggregate classification (germline): Uncertain significance. Review status: criteria provided, multiple submitters, no conflicts (2 of 4 stars). 2 submissions from 2 submitters: Uncertain significance (2). Last evaluated 2025-11-03.

Submissions (2):

Labcorp Genetics (formerly Invitae), Labcorp
Classification: Uncertain significance. Last evaluated: 2025-11-03. Review status: criteria provided, single submitter. Criteria: Invitae Variant Classification Sherloc (09022015). Collection method: clinical testing. Allele origin: germline.
Comment: This variant, c.2605_2616del, results in the deletion of 4 amino acid(s) of the SLC24A1 protein (p.Gln869_Glu872del), but otherwise preserves the integrity of the reading frame. The frequency data for this variant in the population databases is considered unreliable, as metrics indicate poor data quality at this position in the gnomAD database. This variant has not been reported in the literature in individuals affected with SLC24A1-related conditions. ClinVar contains an entry for this variant (Variation ID: 1054560). Experimental studies and prediction algorithms are not available or were not evaluated, and the functional significance of this variant is currently unknown. In summary, the available evidence is currently insufficient to determine the role of this variant in disease. Therefore, it has been classified as a Variant of Uncertain Significance.

Blueprint Genetics
Classification: Uncertain significance. Last evaluated: 2024-03-08. Review status: criteria provided, single submitter. Criteria: ACMG Guidelines, 2015. Collection method: clinical testing. Allele origin: germline.

NM_004727.3(SLC24A1):c.2605_2616del (p.Gln869_Glu872del)

Gene: SLC24A1 (solute carrier family 24 member 1; plus strand). Cytogenetic location: 15q22.31.
Variant type: Deletion.
Coding change: c.2605_2616del on transcript NM_004727.3 (MANE Select); coding-DNA positions 2605 to 2616, 12 bases deleted (CAGGAGGAAGAG).
Protein change: p.Gln869_Glu872del.
Molecular consequence: inframe deletion.
Genome position (GRCh38, 1-based): chr15:65,650,754-65,650,765, CAGGAGGAAGAG deleted; deleting any 12 consecutive bases within chr15:65,650,743-65,650,765 gives the same sequence; the c. name uses the placement nearest the transcript's 3' end. VCF-style (leftmost placement, unchanged base first): chr15-65650742-GAGGAGGAAGAGC-G. GRCh37 (hg19) VCF-style: chr15-65943080-GAGGAGGAAGAGC-G.
Other names: c.586_597del, p.Gln196_Glu199del (NM_001254740.2); c.2605_2616del, p.Gln869_Glu872del (NM_001301031.1); c.2551_2562del, p.Gln851_Glu854del (NM_001301032.1, NM_001301033.2).
Identifiers: ClinVar variation 1054560 (VCV001054560.8), dbSNP rs747812372, ClinGen allele CA7620154.